The following is an entry in ClinVar:

ClinVar aggregate classification (germline): not provided (0 of 4 stars; one submission).

Conditions:
Torsades de pointes. Also called: Torsade de pointes. Identifiers: MedGen C0040479, MONDO:0005478, HP:0001664.

Allele frequency attached by ClinVar (database versions not stated): gnomAD exomes 0.00001.
gnomAD v4.1: 7 of 1,613,650 alleles (0.00043%); highest among the groups gnomAD compares: Non-Finnish European, 0.00059%; no homozygotes.

Submission:

Cardiovascular Biomedical Research Unit, Royal Brompton & Harefield NHS Foundation Trust
No classification provided. Condition: Torsades de pointes. Review status: no classification provided. Collection method: literature only. Allele origin: germline.
Comment: This variant has been reported as associated with torsades de pointes in the following publications (PMID:17161064). This is a literature report, and does not necessarily reflect the clinical interpretation of the Imperial College / Royal Brompton Cardiovascular Genetics laboratory.

Literature cited by the submitters: PubMed 17161064; PubMed 22581653.

NM_001148.6(ANK2):c.2122G>A (p.Val708Met)

Gene: ANK2 (ankyrin 2; plus strand). Cytogenetic location: 4q26.
Variant type: single nucleotide variant.
Coding change: c.2122G>A on transcript NM_001148.6 (MANE Select); coding-DNA position 2122, G replaced by A.
Protein change: p.Val708Met; replaces valine 708 with methionine.
Molecular consequence: missense variant.
Genome position (GRCh38, 1-based): chr4:113,287,647, G>A. VCF-style: chr4-113287647-G-A. GRCh37 (hg19) VCF-style: chr4-114208803-G-A.
Other names: c.2059G>A, p.Val687Met (NM_001127493.3, NM_001354239.2, NM_001354256.2 and 10 more transcripts); c.2122G>A, p.Val708Met (NM_001354225.2, NM_001354228.2, NM_001354232.2 and 6 more transcripts); c.2167G>A, p.Val723Met (NM_001354230.2, NM_001354231.2, NM_001354237.2 and 5 more transcripts); c.1960G>A, p.Val654Met (NM_001354257.2, NM_001386156.1, NM_001354253.2 and 1 more transcripts); c.1936G>A, p.Val646Met (NM_001354260.2, NM_001386151.1, NM_001354271.2); c.2080G>A, p.Val694Met (NM_001354261.2, NM_001386147.1, NM_001386160.1); c.2035G>A, p.Val679Met (NM_001354264.2, NM_001354266.2, NM_001386142.1 and 10 more transcripts); c.1837G>A, p.Val613Met (NM_001354277.2, NM_001386157.1); and 9 more; short protein forms V687M, V708M, V654M, V675M, V613M, V638M, V646M, V642M.
Identifiers: ClinVar variation 67605 (VCV000067605.1), dbSNP rs36210416, ClinGen allele CA145050.